The following is an entry in ClinVar:

NM_001042492.3(NF1):c.2326G>A (p.Ala776Thr)

Gene: NF1 (neurofibromin 1; plus strand). Cytogenetic location: 17q11.2.
Variant type: single nucleotide variant.
Coding change: c.2326G>A on transcript NM_001042492.3 (MANE Select); coding-DNA position 2326, G replaced by A.
Protein change: p.Ala776Thr; replaces alanine 776 with threonine.
Molecular consequence: missense variant.
Genome position (GRCh38, 1-based): chr17:31,227,523, G>A. VCF-style: chr17-31227523-G-A. GRCh37 (hg19) VCF-style: chr17-29554541-G-A.
Other names: c.2326G>A, p.Ala776Thr (NM_000267.4); short protein forms A776T.
Identifiers: ClinVar variation 68314 (VCV000068314.5), dbSNP rs199474771, ClinGen allele CA219440.
Genomic context (GRCh38, chr17:31,227,523, plus strand): 5'-GCTGATTGATGTTTAGCTCTAGACTAAGTTGCTTTCAAGTGATAATTGCCTTCATTTTAG[G>A]CTTGGGAAGATACACATGCAAAATGGGAACAAGCAACAAAGCTAATCCTTAACTATCCAA-3'
Protein context (NP_001035957.1, residues 766-786): IEHPTAGNTE[Ala776Thr]WEDTHAKWEQ

ClinVar aggregate classification (germline): Uncertain significance. Review status: criteria provided, single submitter (1 of 4 stars). 2 submissions from 2 submitters: Uncertain significance (1). 1 of the submissions does not count toward it. Last evaluated 2023-04-11.

Conditions:
Neurofibromatosis, type 1 (NF1). Also called: Peripheral type neurofibromatosis; VON RECKLINGHAUSEN DISEASE; NEUROFIBROMATOSIS, TYPE I, SOMATIC; Neurofibromatosis, type I. Identifiers: Orphanet 636, MedGen C0027831, MONDO:0018975, OMIM 162200. Disease mechanism: loss of function.

Submissions (2):

Labcorp Genetics (formerly Invitae), Labcorp
Classification: Uncertain significance for Neurofibromatosis, type 1. Last evaluated: 2023-04-11. Review status: criteria provided, single submitter. Criteria: Invitae Variant Classification Sherloc (09022015). Collection method: clinical testing. Allele origin: germline.
Comment: This sequence change replaces alanine, which is neutral and non-polar, with threonine, which is neutral and polar, at codon 776 of the NF1 protein (p.Ala776Thr). In summary, the available evidence is currently insufficient to determine the role of this variant in disease. Therefore, it has been classified as a Variant of Uncertain Significance. An algorithm developed to predict the effect of missense changes on protein structure and function (PolyPhen-2) suggests that this variant is likely to be disruptive. ClinVar contains an entry for this variant (Variation ID: 68314). This missense change has been observed in individual(s) with clinical features of neurofibromatosis type 1 (PMID: 31370276). This variant is not present in population databases (gnomAD no frequency).

UniProtKB/Swiss-Prot
No classification provided. Review status: no classification provided. Collection method: not provided. Allele origin: not provided. Not counted in ClinVar's aggregate classification.

Literature cited by the submitters: PubMed 31370276 (cited by Labcorp Genetics (formerly Invitae), Labcorp).